The following is an entry in ClinVar:

ClinVar aggregate classification (germline): Pathogenic/Likely pathogenic. Review status: criteria provided, multiple submitters, no conflicts (2 of 4 stars). 7 submissions from 7 submitters: Pathogenic (1); Likely pathogenic (5). 1 of the submissions does not count toward it. Last evaluated 2026-09-24.

Conditions:
Cardiovascular phenotype. Identifiers: MedGen CN230736.
Dilated cardiomyopathy 1G (CMD1G). Identifiers: Orphanet 154, MedGen C1858763, MONDO:0011400, OMIM 604145.
Autosomal recessive limb-girdle muscular dystrophy type 2J (LGMDR10). Also called: MUSCULAR DYSTROPHY, LIMB-GIRDLE, AUTOSOMAL RECESSIVE 10; Limb-girdle muscular dystrophy, type 2J. Identifiers: Orphanet 140922, MedGen C1837342, MONDO:0012127, OMIM 608807.
Early-onset myopathy with fatal cardiomyopathy (CMYO5). Also called: Salih Myopathy; CONGENITAL MYOPATHY 5 WITH CARDIOMYOPATHY. Identifiers: Orphanet 289377, MedGen C2673677, MONDO:0012714, OMIM 611705. Disease mechanism: loss of function.
Hypertrophic cardiomyopathy 9. Also called: Familial hypertrophic cardiomyopathy 9. Identifiers: MedGen C1861065, MONDO:0013412, OMIM 613765.
Myopathy, myofibrillar, 9, with early respiratory failure (MFM9). Also called: Myopathy, distal, with early respiratory failure, autosomal dominant; EDSTROM MYOPATHY; MYOPATHY, PROXIMAL, WITH EARLY RESPIRATORY MUSCLE INVOLVEMENT; Hereditary myopathy with early respiratory failure. Identifiers: Orphanet 178464, Orphanet 34521, MedGen C1863599, MONDO:0011362, OMIM 603689.
Tibial muscular dystrophy (TMD). Also called: Tibial muscular dystrophy, tardive; Udd Distal Myopathy – Tibial Muscular Dystrophy; UDD MYOPATHY. Identifiers: Orphanet 609, MedGen C1838244, MONDO:0010870, OMIM 600334.
TTN-related disorder. Also called: TTN-related condition; TTN-related disease; TTN-related disorders.

Allele frequency attached by ClinVar (database versions not stated): gnomAD 0.00002 and 0.00003; TOPMed 0.00002.
gnomAD v4.1: 6 of 1,613,892 alleles (0.00037%); highest among the groups gnomAD compares: African/African-American, 0.0013%; no homozygotes.

Submissions (7):

PreventionGenetics, part of Exact Sciences
Classification: Likely pathogenic for TTN-related condition. Last evaluated: 2026-09-24. Review status: criteria provided, single submitter. Criteria: ACMG Guidelines, 2015. Collection method: clinical testing. Allele origin: germline.
Comment: The TTN c.9610C>T variant is predicted to result in premature protein termination (p.Arg3204*). This variant has been documented in individuals from atrial fibrillation cohorts (eTable 5 in Choi et al. 2018. PubMed ID: 30535219; eTable 4 in Yoneda et al. 2021. PubMed ID: 34495297). This variant is reported in 0.0065% of alleles in individuals of European (Non-Finnish) descent in gnomAD. This variant is located in the TTN protein I-band region. RNAseq studies from heart tissue indicate this exon is commonly included in TTN mRNA transcripts (PSI of 100%, Roberts et al. 2015. PubMed ID: 25589632). TTN loss-of-function variants occurring in constitutively expressed exons (PSI > 90%) are more likely to be disease causing for TTN cardiac-related disorders regardless of band location (Roberts et al. 2015. PubMed ID: 25589632; Schafer et al. 2017 PubMed ID: 27869827; Akhtar et al. 2020. PubMed ID: 32964742). Many cases of recessive TTN-related myopathies in which the individual is compound heterozygous for two loss-of-function variants in TTN have also been reported (Ge et al. 2019. PubMed ID: 31053406; Oates et al. 2018. PubMed ID: 29691892; Rees et al. 2021. PubMed ID: 33449170). In summary, this variant is categorized as likely pathogenic. Of note, this variant is considered likely pathogenic for increased risk of TTN-related cardiac disorders, and also for autosomal recessive TTN-related congenital titinopathies. ​

CeGaT Center for Human Genetics Tuebingen
Classification: Likely pathogenic. Last evaluated: 2026-08-01. Review status: criteria provided, single submitter. Criteria: CeGaT Center For Human Genetics Tuebingen Variant Classification Criteria Version 2. Collection method: clinical testing. Allele origin: germline. Affected: yes. Observed: 2 variant alleles.
Comment: TTN: PVS1:Strong, PS4:Moderate, PM2:Supporting

Labcorp Genetics (formerly Invitae), Labcorp
Classification: Pathogenic for Dilated cardiomyopathy 1G; Autosomal recessive limb-girdle muscular dystrophy type 2J. Last evaluated: 2025-12-03. Review status: criteria provided, single submitter. Criteria: Invitae Variant Classification Sherloc (09022015). Collection method: clinical testing. Allele origin: germline.
Comment: This sequence change creates a premature translational stop signal (p.Arg3204*) in the TTN gene. While this is not anticipated to result in nonsense mediated decay, it is expected to create a truncated TTN protein. This variant is present in population databases (no rsID available, gnomAD 0.007%). This premature translational stop signal has been observed in individuals with dilated cardiomyopathy and/or early-onset atrial fibrillation (PMID: 30535219; internal data). ClinVar contains an entry for this variant (Variation ID: 288998). This variant is located in the I band of TTN (PMID: 25589632). Truncating variants in this region have been reported in individuals affected with autosomal recessive centronuclear myopathy (PMID: 23975875, internal data). Truncating variants in this region have also been identified in individuals affected with autosomal dominant dilated cardiomyopathy and/or cardio-related conditions (PMID: 27869827, 32964742, internal data). For these reasons, this variant has been classified as Pathogenic.

Institute of Human Genetics, University of Leipzig Medical Center
Classification: Likely pathogenic for Dilated cardiomyopathy 1G. Last evaluated: 2025-11-07. Review status: criteria provided, single submitter. Criteria: ACMG Guidelines, 2015. Collection method: clinical testing. Allele origin: unknown. Inheritance: Autosomal dominant inheritance. Affected: yes.
Comment: Criteria applied: PVS1,PS4_SUP

Ambry Genetics
Classification: Likely pathogenic for Cardiovascular phenotype. Last evaluated: 2025-10-06. Review status: criteria provided, single submitter. Criteria: Ambry Variant Classification Scheme 2023. Collection method: clinical testing. Allele origin: germline.
Comment: The p.R3158* variant (also known as c.9472C>T), located in coding exon 39 of the TTN gene, results from a C to T substitution at nucleotide position 9472. This changes the amino acid from an arginine to a stop codon within coding exon 39. This exon is located in the I-band region of the N2-B isoform of the titin protein and is constitutively expressed in TTN transcripts (percent spliced in or PSI 100%). This variant was reported in individual(s) with features consistent with dilated cardiomyopathy (Ambry internal data). This variant is considered to be rare based on population cohorts in the Genome Aggregation Database (gnomAD). This variant is expected to result in loss of function by premature protein truncation or nonsense-mediated mRNA decay. While truncating variants in TTN are present in 1-3% of the general population, truncating variants in the A-band are the most common cause of dilated cardiomyopathy (Herman DS et al. N. Engl. J. Med., 2012 Feb;366:619-28; Roberts AM et al. Sci Transl Med, 2015 Jan;7:270ra6). TTN truncating variants encoded in constitutive exons (PSI >90%) have been found to be significantly associated with DCM regardless of their position in titin (Schafer S et al. Nat. Genet., 2017 01;49:46-53; Akhtar MM et al. Circ Heart Fail, 2020 Oct;13:e006832; Massier M et al. Clin Genet, 2025 Jan). Based on the majority of available evidence to date, this variant is likely to be pathogenic.

GeneDx
Classification: Likely pathogenic. Last evaluated: 2023-09-22. Review status: criteria provided, single submitter. Criteria: GeneDx Variant Classification Process June 2021. Collection method: clinical testing. Allele origin: germline. Affected: yes.
Comment: Located in a region of TTN within the I-band in which the majority of loss of function variants are significantly associated with autosomal dominant titinopathies (Deo et al., 2016; Schafer et al., 2017); Identified in patients with DCM referred for genetic testing at GeneDx and in published literature (Bourfiss et al., 2022); Reported in at least one individual with early onset atrial fibrillation who also has a pathogenic variant in the MYH7 gene (Choi et al., 2018; Yoneda et al., 2021); Not observed at significant frequency in large population cohorts (gnomAD); This variant is associated with the following publications: (PMID: 27625338, 27869827, 22335739, 26701604, 23975875, 25589632, 33226272, 30535219, 36264615, 34495297)

Eurofins Ntd Llc (ga)
Classification: Uncertain significance. Last evaluated: 2016-07-28. Review status: flagged submission. Criteria: EGL Classification Definitions 2015. Collection method: clinical testing. Allele origin: germline. Observed: 1 variant allele, 1 heterozygote. Not counted in ClinVar's aggregate classification.
ClinVar note: Reason: Older and outlier claim with insufficient supporting evidence

Literature cited by the submitters: PubMed 30535219 (cited by Labcorp Genetics (formerly Invitae), Labcorp); PubMed 25589632 (cited by Labcorp Genetics (formerly Invitae), Labcorp); PubMed 23975875 (cited by Labcorp Genetics (formerly Invitae), Labcorp); PubMed 27869827 (cited by Labcorp Genetics (formerly Invitae), Labcorp); PubMed 32964742 (cited by Labcorp Genetics (formerly Invitae), Labcorp).

NM_001267550.2(TTN):c.9610C>T (p.Arg3204Ter)

Gene: TTN (titin; minus strand). Cytogenetic location: 2q31.2.
Variant type: single nucleotide variant.
Coding change: c.9610C>T on transcript NM_001267550.2 (MANE Select); coding-DNA position 9610, C replaced by T.
Protein change: p.Arg3204Ter; replaces arginine 3204 with a stop codon.
Molecular consequence: nonsense.
Genome position (GRCh38, 1-based): chr2:178,766,474, G>A on the plus strand (C>T on the coding strand, the complement: TTN is on the minus strand). VCF-style: chr2-178766474-G-A. GRCh37 (hg19) VCF-style: chr2-179631201-G-A.
Other names: c.9610C>T, p.Arg3204Ter (NM_001256850.1, NM_133378.4, NM_133379.5); c.9610C>T (NM_001267550.1); c.9472C>T, p.Arg3158Ter (NM_003319.4, NM_133432.3, NM_133437.4); short protein forms R3204*, R3158*.
Identifiers: ClinVar variation 288998 (VCV000288998.32), dbSNP rs757836789, ClinGen allele CA10606293.